The following is an entry in ClinVar:

ClinVar aggregate classification (germline): Uncertain significance. Review status: criteria provided, multiple submitters, no conflicts (2 of 4 stars). 2 submissions from 2 submitters: Uncertain significance (2). Last evaluated 2025-02-24.

Conditions:
Dyskeratosis congenita, autosomal dominant 2. Identifiers: MedGen C3151443, MONDO:0013521, OMIM 613989.
Idiopathic Pulmonary Fibrosis. Also called: Idiopathic fibrosing alveolitis, chronic form; idiopathic fibrosing alveolitis. Identifiers: Orphanet 2032, MedGen C1800706, MeSH D054990, MONDO:0800504.
Dyskeratosis congenita. Identifiers: Orphanet 1775, MedGen C0265965, MONDO:0015780.

Allele frequency attached by ClinVar (database versions not stated): TOPMed 0.00001.

Submissions (2):

Ambry Genetics
Classification: Uncertain significance for Dyskeratosis congenita. Last evaluated: 2025-02-24. Review status: criteria provided, single submitter. Criteria: Ambry Variant Classification Scheme 2023. Collection method: clinical testing. Allele origin: germline.
Comment: The p.S349C variant (also known as c.1046C>G), located in coding exon 2 of the TERT gene, results from a C to G substitution at nucleotide position 1046. The serine at codon 349 is replaced by cysteine, an amino acid with dissimilar properties. This amino acid position is conserved. In addition, the in silico prediction for this alteration is inconclusive. Based on the available evidence, the clinical significance of this variant remains unclear.

Labcorp Genetics (formerly Invitae), Labcorp
Classification: Uncertain significance for Dyskeratosis congenita, autosomal dominant 2; Idiopathic Pulmonary Fibrosis. Last evaluated: 2024-02-25. Review status: criteria provided, single submitter. Criteria: Invitae Variant Classification Sherloc (09022015). Collection method: clinical testing. Allele origin: germline.
Comment: This sequence change replaces serine, which is neutral and polar, with cysteine, which is neutral and slightly polar, at codon 349 of the TERT protein (p.Ser349Cys). This variant is not present in population databases (gnomAD no frequency). This variant has not been reported in the literature in individuals affected with TERT-related conditions. ClinVar contains an entry for this variant (Variation ID: 539184). Advanced modeling of protein sequence and biophysical properties (such as structural, functional, and spatial information, amino acid conservation, physicochemical variation, residue mobility, and thermodynamic stability) has been performed at Invitae for this missense variant, however the output from this modeling did not meet the statistical confidence thresholds required to predict the impact of this variant on TERT protein function. In summary, the available evidence is currently insufficient to determine the role of this variant in disease. Therefore, it has been classified as a Variant of Uncertain Significance.

NM_198253.3(TERT):c.1046C>G (p.Ser349Cys)

Gene: TERT (telomerase reverse transcriptase; minus strand). Cytogenetic location: 5p15.33.
Variant type: single nucleotide variant.
Coding change: c.1046C>G on transcript NM_198253.3 (MANE Select); coding-DNA position 1046, C replaced by G.
Protein change: p.Ser349Cys; replaces serine 349 with cysteine.
Molecular consequence: missense variant. On other transcripts: non-coding transcript variant (2).
Genome position (GRCh38, 1-based): chr5:1,293,840, G>C on the plus strand (C>G on the coding strand, the complement: TERT is on the minus strand). VCF-style: chr5-1293840-G-C. GRCh37 (hg19) VCF-style: chr5-1293955-G-C.
Other names: c.1046C>G, p.Ser349Cys (NM_001193376.3); short protein forms S349C.
Identifiers: ClinVar variation 539184 (VCV000539184.12), dbSNP rs904848231, ClinGen allele CA359055806.